The following is an entry in ClinVar:

NM_000531.6(OTC):c.578G>A (p.Trp193Ter)

Gene: OTC (ornithine transcarbamylase; plus strand). Cytogenetic location: Xp11.4.
Variant type: single nucleotide variant.
Coding change: c.578G>A on transcript NM_000531.6 (MANE Select); coding-DNA position 578, G replaced by A.
Protein change: p.Trp193Ter; replaces tryptophan 193 with a stop codon.
Molecular consequence: nonsense.
Genome position (GRCh38, 1-based): chrX:38,403,655, G>A. VCF-style: chrX-38403655-G-A. GRCh37 (hg19) VCF-style: chrX-38262908-G-A.
Other names: short protein forms W193*.
Identifiers: ClinVar variation 97254 (VCV000097254.2), dbSNP rs72556299, ClinGen allele CA224688.

ClinVar aggregate classification (germline): Pathogenic (0 of 4 stars; one submission).

Submission:

GenMed Metabolism Lab
Classification: Pathogenic. Review status: no assertion criteria provided. Collection method: not provided. Allele origin: unknown.
Comment: p.Trp193X, Neonatal
ClinVar note: Converted during submission from pathogenic to Pathogenic.